The following is an entry in ClinVar:

ClinVar aggregate classification (germline): Uncertain significance (1 of 4 stars; one submission).

Submission:

Labcorp Genetics (formerly Invitae), Labcorp
Classification: Uncertain significance. Last evaluated: 2024-10-08. Review status: criteria provided, single submitter. Criteria: Invitae Variant Classification Sherloc (09022015). Collection method: clinical testing. Allele origin: germline.
Comment: This sequence change replaces isoleucine, which is neutral and non-polar, with valine, which is neutral and non-polar, at codon 1617 of the EYS protein (p.Ile1617Val). This variant is not present in population databases (gnomAD no frequency). This variant has not been reported in the literature in individuals affected with EYS-related conditions. ClinVar contains an entry for this variant (Variation ID: 1017627). An algorithm developed to predict the effect of missense changes on protein structure and function outputs the following: PolyPhen-2: "Possibly Damaging". The valine amino acid residue is found in multiple mammalian species, which suggests that this missense change does not adversely affect protein function. In summary, the available evidence is currently insufficient to determine the role of this variant in disease. Therefore, it has been classified as a Variant of Uncertain Significance.

NM_001142800.2(EYS):c.4849A>G (p.Ile1617Val)

Gene: EYS (EGF-like photoreceptor maintenance factor; minus strand). Cytogenetic location: 6q12.
Variant type: single nucleotide variant.
Coding change: c.4849A>G on transcript NM_001142800.2 (MANE Select); coding-DNA position 4849, A replaced by G.
Protein change: p.Ile1617Val; replaces isoleucine 1617 with valine.
Molecular consequence: missense variant.
Genome position (GRCh38, 1-based): chr6:64,591,018, T>C on the plus strand (A>G on the coding strand, the complement: EYS is on the minus strand). VCF-style: chr6-64591018-T-C. GRCh37 (hg19) VCF-style: chr6-65300911-T-C.
Other names: c.4849A>G, p.Ile1617Val (NM_001292009.2); short protein forms I1617V.
Identifiers: ClinVar variation 1017627 (VCV001017627.4), dbSNP rs551487472, ClinGen allele CA364782401.